The following is an entry in ClinVar:

ClinVar aggregate classification (germline): Likely benign (1 of 4 stars; one submission).

Submission:

CeGaT Center for Human Genetics Tuebingen
Classification: Likely benign. Last evaluated: 2025-08-01. Review status: criteria provided, single submitter. Criteria: CeGaT Center For Human Genetics Tuebingen Variant Classification Criteria Version 2. Collection method: clinical testing. Allele origin: germline. Affected: yes. Observed: 1 variant allele.
Comment: ZSWIM6: BP3

NM_020928.2(ZSWIM6):c.77_78insGGGCAG (p.Gly26_Ser27insGlySer)

Gene: ZSWIM6 (zinc finger SWIM-type containing 6; plus strand). Cytogenetic location: 5q12.1.
Variant type: Microsatellite.
Coding change: c.77_78insGGGCAG on transcript NM_020928.2 (MANE Select); coding-DNA positions 77 to 78, GGGCAG inserted.
Protein change: p.Gly26_Ser27insGlySer.
Genome position: GRCh38 VCF-style: chr5-61332348-G-GGGGGCA. GRCh37 (hg19) VCF-style: chr5-60628175-G-GGGGGCA.
Identifiers: ClinVar variation 4084873 (VCV004084873.8).